The following is an entry in ClinVar:

ClinVar aggregate classification (germline): Uncertain significance (1 of 4 stars; one submission).

Conditions:
Diffuse cerebral and cerebellar atrophy - intractable seizures - progressive microcephaly syndrome. Also called: Microcephaly, progressive, with seizures and cerebral and cerebellar atrophy. Identifiers: Orphanet 404437, MedGen C4014239, MONDO:0014335, OMIM 615760.

gnomAD v4.1: 13 of 1,614,046 alleles (0.00081%); highest among the groups gnomAD compares: African/African-American, 0.004%; no homozygotes.

Submission:

Neuberg Centre For Genomic Medicine, NCGM
Classification: Uncertain significance for Diffuse cerebral and cerebellar atrophy - intractable seizures - progressive microcephaly syndrome. Last evaluated: 2024-02-01. Review status: criteria provided, single submitter. Criteria: ACMG Guidelines, 2015. Collection method: clinical testing. Allele origin: germline. Inheritance: Autosomal recessive inheritance.
Comment: The missense c.1574G>A(p.Arg525Gln) variant in QARS1 gene has been reported previously in compound heterozygous state in individual(s) affected with QARS1-associated epilepsy (Chan DL, et al., 2022). Functional testing showed reduced solubility of the corresponding QARS1 mutants in vitro, but no noted change in tRNAGln aminoacylation with this variant (Chan DL, et al., 2022). Hence, the current available functional evidence is contradictory in the context of pathogenicity of this variant. The p.Arg525Gln variant is present with allele frequency of 0.0008% in gnomAD Exomes. This variant has not been submitted to the ClinVar database. Multiple lines of computational evidences (Polyphen - Probably damaging, SIFT - Damaging and MutationTaster - Disease causing) predict a damaging effect on protein structure and function for this variant. The reference amino acid at this position on QARS1 gene is predicted as conserved by GERP++ and PhyloP across 100 vertebrates. The amino acid Arg at position 525 is changed to a Gln changing protein sequence and it might alter its composition and physico-chemical properties. Additional functional evidence and studies on multiple affected individuals will be required to prove the pathogenicity of this variant conclusively. For these reasons, this variant has been classified as a Variant of Uncertain Significance (VUS).

NM_005051.3(QARS1):c.1574G>A (p.Arg525Gln)

Gene: QARS1 (glutaminyl-tRNA synthetase 1; minus strand). Cytogenetic location: 3p21.31.
Variant type: single nucleotide variant.
Coding change: c.1574G>A on transcript NM_005051.3 (MANE Select); coding-DNA position 1574, G replaced by A.
Protein change: p.Arg525Gln; replaces arginine 525 with glutamine.
Molecular consequence: missense variant. On other transcripts: non-coding transcript variant (1).
Genome position (GRCh38, 1-based): chr3:49,099,384, C>T on the plus strand (G>A on the coding strand, the complement: QARS1 is on the minus strand). VCF-style: chr3-49099384-C-T. GRCh37 (hg19) VCF-style: chr3-49136817-C-T.
Other names: c.1541G>A, p.Arg514Gln (NM_001272073.2); short protein forms R514Q, R525Q.
Identifiers: ClinVar variation 3898037 (VCV003898037.1).